The following is an entry in ClinVar:

ClinVar aggregate classification (germline): Benign. Review status: criteria provided, multiple submitters, no conflicts (2 of 4 stars). 3 submissions from 3 submitters: Benign (3). Last evaluated 2021-07-14.

Conditions:
Hypokalemic periodic paralysis, type 1. Also called: HypoPP; Hypokalemic Periodic Paralysis Type 1 (AD). Identifiers: Orphanet 681, MedGen C3714580, MONDO:0042979, OMIM 170400.

Allele frequency attached by ClinVar (database versions not stated): 1000 Genomes Project 0.33247; 1000 Genomes Project 30x 0.33729; gnomAD 0.35772 and 0.36336; TOPMed 0.36088.

Submissions (3):

Genome-Nilou Lab
Classification: Benign for Hypokalemic periodic paralysis, type 1. Last evaluated: 2021-07-14. Review status: criteria provided, single submitter. Criteria: ACMG Guidelines, 2015. Collection method: clinical testing. Allele origin: germline. Affected: no.

GeneDx
Classification: Benign. Last evaluated: 2018-06-18. Review status: criteria provided, single submitter. Criteria: GeneDx Variant Classification (06012015). Collection method: clinical testing. Allele origin: germline. Affected: yes.
Comment: This variant is considered likely benign or benign based on one or more of the following criteria: it is a conservative change, it occurs at a poorly conserved position in the protein, it is predicted to be benign by multiple in silico algorithms, and/or has population frequency not consistent with disease.

Breakthrough Genomics
Classification: Benign. Review status: criteria provided, single submitter. Criteria: ACMG Guidelines, 2015. Collection method: not provided. Allele origin: germline. Inheritance: Autosomal dominant inheritance. Affected: yes.

NM_000069.3(CACNA1S):c.5227-54T>C

Gene: CACNA1S (calcium voltage-gated channel subunit alpha1 S; minus strand). Cytogenetic location: 1q32.1.
Variant type: single nucleotide variant.
Coding change: c.5227-54T>C on transcript NM_000069.3 (MANE Select); 54 bases into the intron before coding-DNA position 5227, T replaced by C.
Molecular consequence: intron variant.
Genome position (GRCh38, 1-based): chr1:201,040,428, A>G on the plus strand (T>C on the coding strand, the complement: CACNA1S is on the minus strand). VCF-style: chr1-201040428-A-G. GRCh37 (hg19) VCF-style: chr1-201009556-A-G.
Identifiers: ClinVar variation 678243 (VCV000678243.5), dbSNP rs1546416, ClinGen allele CA10748458.